The following is an entry in ClinVar:

ClinVar aggregate classification (germline): Benign/Likely benign. Review status: criteria provided, multiple submitters, no conflicts (2 of 4 stars). 5 submissions from 5 submitters: Benign (2); Likely benign (2). 1 of the submissions does not count toward it. Last evaluated 2025-12-25.

Conditions:
NUP133-related disorder. Also called: NUP133-related condition.

Allele frequency attached by ClinVar (database versions not stated): 1000 Genomes Project 30x 0.00047; 1000 Genomes Project 0.00060; ESP Exome Variant Server 0.00161; TOPMed 0.00202; gnomAD 0.00298 and 0.00309; gnomAD exomes 0.00337 and 0.00367; ExAC 0.00370.
gnomAD v4.1: 5,186 of 1,576,896 alleles (0.33%); highest among the groups gnomAD compares: Non-Finnish European, 0.34%; 26 homozygotes.

Submissions (5):

Labcorp Genetics (formerly Invitae), Labcorp
Classification: Benign. Last evaluated: 2025-12-25. Review status: criteria provided, single submitter. Criteria: Invitae Variant Classification Sherloc (09022015). Collection method: clinical testing. Allele origin: germline.

Mayo Clinic Laboratories, Mayo Clinic
Classification: Likely benign. Last evaluated: 2025-03-21. Review status: criteria provided, single submitter. Criteria: ACMG Guidelines, 2015. Collection method: clinical testing. Allele origin: germline. Observed: 1 variant allele.
Comment: BS1, BP4, BP7

CeGaT Center for Human Genetics Tuebingen
Classification: Likely benign. Last evaluated: 2022-03-01. Review status: criteria provided, single submitter. Criteria: CeGaT Center For Human Genetics Tuebingen Variant Classification Criteria Version 2. Collection method: clinical testing. Allele origin: germline. Affected: yes. Observed: 1 variant allele.
Comment: NUP133: BP4, BP7

Breakthrough Genomics
Classification: Benign. Review status: criteria provided, single submitter. Criteria: ACMG Guidelines, 2015. Collection method: not provided. Allele origin: germline. Inheritance: Autosomal recessive inheritance. Affected: yes.

PreventionGenetics, part of Exact Sciences
Classification: Benign for NUP133-related condition. Last evaluated: 2020-01-08. Review status: no assertion criteria provided. Collection method: clinical testing. Allele origin: germline. Not counted in ClinVar's aggregate classification.
Comment: This variant is classified as benign based on ACMG/AMP sequence variant interpretation guidelines (Richards et al. 2015 PMID: 25741868, with internal and published modifications).

NM_018230.3(NUP133):c.1494C>T (p.Asn498=)

Gene: NUP133 (nucleoporin 133; minus strand). Cytogenetic location: 1q42.13.
Variant type: single nucleotide variant.
Coding change: c.1494C>T on transcript NM_018230.3 (MANE Select); coding-DNA position 1494, C replaced by T.
Protein change: p.Asn498=; no amino-acid change (asparagine 498 retained).
Molecular consequence: synonymous variant.
Genome position (GRCh38, 1-based): chr1:229,486,377, G>A on the plus strand (C>T on the coding strand, the complement: NUP133 is on the minus strand). VCF-style: chr1-229486377-G-A. GRCh37 (hg19) VCF-style: chr1-229622124-G-A.
Other names: p.Asn498=; c.1494C>T (NM_018230.2).
Identifiers: ClinVar variation 1562555 (VCV001562555.34), dbSNP rs61756009, ClinGen allele CA1443527.